The following is an entry in ClinVar:

NM_001042492.3(NF1):c.615G>A (p.Lys205=)

Gene: NF1 (neurofibromin 1; plus strand). Cytogenetic location: 17q11.2.
Variant type: single nucleotide variant.
Coding change: c.615G>A on transcript NM_001042492.3 (MANE Select); coding-DNA position 615, G replaced by A.
Protein change: p.Lys205=; no amino-acid change (lysine 205 retained).
Molecular consequence: synonymous variant.
Genome position (GRCh38, 1-based): chr17:31,181,450, G>A. VCF-style: chr17-31181450-G-A. GRCh37 (hg19) VCF-style: chr17-29508468-G-A.
Other names: c.615G>A, p.Lys205= (NM_000267.4, NM_001128147.3).
Identifiers: ClinVar variation 431568 (VCV000431568.11), dbSNP rs1135402794, ClinGen allele CA499206325.

ClinVar aggregate classification (germline): Conflicting classifications of pathogenicity. Review status: criteria provided, conflicting classifications (1 of 4 stars). 3 submissions from 3 submitters: Uncertain significance (1); Likely benign (1). 1 of the submissions does not count toward it. Last evaluated 2025-07-15.

Conditions:
Hereditary cancer-predisposing syndrome. Also called: Hereditary neoplastic syndrome; Tumor predisposition; Neoplastic Syndromes, Hereditary; Hereditary Cancer Syndrome. Identifiers: Orphanet 140162, MedGen C0027672, MeSH D009386, MONDO:0015356.
Cardiovascular phenotype. Identifiers: MedGen CN230736.
Neurofibromatosis, type 1 (NF1). Also called: Neurofibromatosis, type I; NEUROFIBROMATOSIS, TYPE I, SOMATIC; Peripheral type neurofibromatosis; VON RECKLINGHAUSEN DISEASE. Identifiers: Orphanet 636, MedGen C0027831, MONDO:0018975, OMIM 162200. Disease mechanism: loss of function.

Allele frequency attached by ClinVar (database versions not stated): gnomAD exomes below 0.00001.
gnomAD v4.1: 2 of 1,613,472 alleles (0.00012%); highest among the groups gnomAD compares: South Asian, 0.0011%; no homozygotes.

Submissions (3):

Ambry Genetics
Classification: Uncertain significance for Cardiovascular phenotype; Hereditary cancer-predisposing syndrome. Last evaluated: 2025-07-15. Review status: criteria provided, single submitter. Criteria: Ambry Variant Classification Scheme 2023. Collection method: clinical testing. Allele origin: germline.
Comment: The c.615G>A variant (also known as p.K205K), located in coding exon 6 of the NF1 gene, results from a G to A substitution at nucleotide position 615. This nucleotide substitution does not change the lysine at codon 205. This variant was reported in an individual with a clinical suspicion of neurofibromatosis type 1 (NF1) (Bonatti F et al. Int J Mol Sci, 2017 Sep;18). This nucleotide position is well conserved in available vertebrate species. In silico splice site analysis predicts that this alteration will not have any significant effect on splicing; however direct evidence is insufficient at this time (Ambry internal data). Based on the available evidence, the clinical significance of this variant remains unclear.

Labcorp Genetics (formerly Invitae), Labcorp
Classification: Likely benign for Neurofibromatosis, type 1. Last evaluated: 2023-06-24. Review status: criteria provided, single submitter. Criteria: Invitae Variant Classification Sherloc (09022015). Collection method: clinical testing. Allele origin: germline.

Medical Genetics, University of Parma
Classification: Uncertain significance for Neurofibromatosis type 1. Last evaluated: 2017-02-02. Review status: no assertion criteria provided. Collection method: clinical testing. Allele origin: germline. Affected: yes. Not counted in ClinVar's aggregate classification.

Literature cited by the submitters: PubMed 28961165 (cited by Ambry Genetics).